The following is an entry in ClinVar:

ClinVar aggregate classification (germline): Uncertain significance. Review status: criteria provided, multiple submitters, no conflicts (2 of 4 stars). 3 submissions from 3 submitters: Uncertain significance (3). Last evaluated 2025-04-01.

Conditions:
Familial renal glucosuria (GLYS). Also called: Familial renal glycosuria; RENAL GLUCOSURIA, AUTOSOMAL DOMINANT. Identifiers: Orphanet 69076, MedGen C3245525, MONDO:0009297, OMIM 233100.

Allele frequency attached by ClinVar (database versions not stated): gnomAD 0.00002; gnomAD exomes 0.00002; TOPMed 0.00002; ExAC 0.00003; ESP Exome Variant Server 0.00008; 1000 Genomes Project 0.00020; 1000 Genomes Project 30x 0.00031.
gnomAD v4.1: 32 of 1,614,032 alleles (0.002%); highest among the groups gnomAD compares: African/African-American, 0.004%; no homozygotes.

Submissions (3):

CeGaT Center for Human Genetics Tuebingen
Classification: Uncertain significance. Last evaluated: 2025-04-01. Review status: criteria provided, single submitter. Criteria: CeGaT Center For Human Genetics Tuebingen Variant Classification Criteria Version 2. Collection method: clinical testing. Allele origin: germline. Affected: yes. Observed: 1 variant allele.
Comment: SLC5A2: PM2, PM5:Supporting, PP4

Blueprint Genetics
Classification: Uncertain significance. Last evaluated: 2024-11-01. Review status: criteria provided, single submitter. Criteria: ACMG Guidelines, 2015. Collection method: clinical testing. Allele origin: germline.

New York Genome Center
Classification: Uncertain significance for Familial renal glucosuria. Last evaluated: 2021-04-28. Review status: criteria provided, single submitter. Criteria: NYGC Assertion Criteria 2020. Collection method: clinical testing. Allele origin: germline. Observed: 1 heterozygote.
Comment: The heterozygous c.1690C>T (p.Arg564Trp) missense variant identified in the SLC5A2 gene has not been reported in affected individuals in theliterature. The variant has 0.00001972 allele frequency in the gnomAD(v3) database (3 out of 152,168 heterozygous alleles, no homozygotes) suggesting it is not a common benign variant in the populations represented in that database. The variant affects an evolutionarily conserved residue and is predicted deleterious by multiple in silico prediction tools [CADD score = 27.8, REVEL score = 0.658]. Based on the available evidence, the heterozygous c.1690C>T (p.Arg564Trp) missense variant identified in the SLC5A2 gene is reported as a variant of uncertain significance.

NM_003041.4(SLC5A2):c.1690C>T (p.Arg564Trp)

Genes: RUSF1 (RUS family member 1; minus strand), SLC5A2 (solute carrier family 5 member 2; plus strand). Cytogenetic location: 16p11.2.
Variant type: single nucleotide variant.
Coding change: c.1690C>T on transcript NM_003041.4 (MANE Select); coding-DNA position 1690, C replaced by T.
Protein change: p.Arg564Trp; replaces arginine 564 with tryptophan.
Molecular consequence: missense variant. On other transcripts: 3 prime UTR variant (1), non-coding transcript variant (1).
Genome position (GRCh38, 1-based): chr16:31,490,128, C>T. VCF-style: chr16-31490128-C-T. GRCh37 (hg19) VCF-style: chr16-31501449-C-T.
Other names: c.*707G>A (NM_022744.4); short protein forms R564W.
Identifiers: ClinVar variation 1803924 (VCV001803924.9), dbSNP rs138861487, ClinGen allele CA8031293.
Genomic context (GRCh38, chr16:31,490,128, plus strand): 5'-GAACTCCCACCTCGTTCGTGCTCCCACCCTCCCCAGCTCCACCGCCTGGTCTTCAGTCTC[C>T]GGCATAGCAAGGAGGAACGGGAGGACCTGGATGCTGATGAGCAGCAAGGCTCCTCACTCC-3'
Protein context (NP_003032.1, residues 554-574): KHLHRLVFSL[Arg564Trp]HSKEEREDLD